The following is an entry in ClinVar:

ClinVar aggregate classification (germline): Uncertain significance (1 of 4 stars; one submission).

Submission:

GeneDx
Classification: Uncertain significance. Last evaluated: 2025-08-15. Review status: criteria provided, single submitter. Criteria: GeneDx Variant Classification Process June 2021. Collection method: clinical testing. Allele origin: germline. Affected: yes.
Comment: Not observed at significant frequency in large population cohorts (gnomAD); In silico analysis suggests that this missense variant does not alter protein structure/function; Has not been previously published as pathogenic or benign to our knowledge

NM_001379659.1(ZNF142):c.4912G>A (p.Val1638Ile)

Gene: ZNF142 (zinc finger protein 142; minus strand). Cytogenetic location: 2q35.
Variant type: single nucleotide variant.
Coding change: c.4912G>A on transcript NM_001379659.1 (MANE Select); coding-DNA position 4912, G replaced by A.
Protein change: p.Val1638Ile; replaces valine 1638 with isoleucine.
Molecular consequence: missense variant.
Genome position (GRCh38, 1-based): chr2:218,642,204, C>T on the plus strand (G>A on the coding strand, the complement: ZNF142 is on the minus strand). VCF-style: chr2-218642204-C-T. GRCh37 (hg19) VCF-style: chr2-219506927-C-T.
Other names: c.4312G>A, p.Val1438Ile (NM_001105537.5, NM_001379662.1, NM_001366291.3); c.4912G>A, p.Val1638Ile (NM_001379660.1, NM_001379661.1, NM_001366290.3); c.3823G>A, p.Val1275Ile (NM_001366287.3, NM_001366288.3, NM_001366289.3); short protein forms V1438I, V1638I, V1275I.
Identifiers: ClinVar variation 4795331 (VCV004795331.1).